The following is an entry in ClinVar:

ClinVar aggregate classification (germline): Uncertain significance. Review status: criteria provided, multiple submitters, no conflicts (2 of 4 stars). 2 submissions from 2 submitters: Uncertain significance (2). Last evaluated 2025-09-27.

Conditions:
Inborn genetic diseases. Identifiers: MedGen C0950123, MeSH D030342.

Allele frequency attached by ClinVar (database versions not stated): ExAC 0.00001.
gnomAD v4.1: 5 of 1,611,160 alleles (0.00031%); highest among the groups gnomAD compares: Non-Finnish European, 0.00034%; no homozygotes.

Submissions (2):

Ambry Genetics
Classification: Uncertain significance for Inborn genetic diseases. Last evaluated: 2025-09-27. Review status: criteria provided, single submitter. Criteria: Ambry Variant Classification Scheme 2023. Collection method: clinical testing. Allele origin: germline.

Labcorp Genetics (formerly Invitae), Labcorp
Classification: Uncertain significance. Last evaluated: 2025-03-17. Review status: criteria provided, single submitter. Criteria: Invitae Variant Classification Sherloc (09022015). Collection method: clinical testing. Allele origin: germline.
Comment: This sequence change replaces leucine, which is neutral and non-polar, with phenylalanine, which is neutral and non-polar, at codon 173 of the NR2F1 protein (p.Leu173Phe). This variant is present in population databases (rs768294672, gnomAD 0.0009%). This variant has not been reported in the literature in individuals affected with NR2F1-related conditions. ClinVar contains an entry for this variant (Variation ID: 1939600). Invitae Evidence Modeling of protein sequence and biophysical properties (such as structural, functional, and spatial information, amino acid conservation, physicochemical variation, residue mobility, and thermodynamic stability) indicates that this missense variant is not expected to disrupt NR2F1 protein function with a negative predictive value of 80%. In summary, the available evidence is currently insufficient to determine the role of this variant in disease. Therefore, it has been classified as a Variant of Uncertain Significance.

NM_005654.6(NR2F1):c.517C>T (p.Leu173Phe)

Gene: NR2F1 (nuclear receptor subfamily 2 group F member 1; plus strand). Cytogenetic location: 5q15.
Variant type: single nucleotide variant.
Coding change: c.517C>T on transcript NM_005654.6 (MANE Select); coding-DNA position 517, C replaced by T.
Protein change: p.Leu173Phe; replaces leucine 173 with phenylalanine.
Molecular consequence: missense variant.
Genome position (GRCh38, 1-based): chr5:93,587,970, C>T. VCF-style: chr5-93587970-C-T. GRCh37 (hg19) VCF-style: chr5-92923676-C-T.
Other names: c.517C>T (NM_005654.4); c.67C>T, p.Leu23Phe (NM_001410754.1); short protein forms L173F, L23F.
Identifiers: ClinVar variation 1939600 (VCV001939600.6), dbSNP rs768294672, ClinGen allele CA3343156.